The following is an entry in ClinVar:

ClinVar aggregate classification (germline): Uncertain significance. Review status: criteria provided, multiple submitters, no conflicts (2 of 4 stars). 3 submissions from 3 submitters: Uncertain significance (3). Last evaluated 2026-06-12.

Conditions:
DCDC2-related disorder. Also called: DCDC2-related condition.
Autosomal recessive nonsyndromic hearing loss 66 (DFNB66). Also called: Deafness, autosomal recessive 66. Identifiers: Orphanet 90636, MedGen C1857750, MONDO:0012442, OMIM 610212.
Isolated neonatal sclerosing cholangitis (NSC). Also called: Sclerosing cholangitis, neonatal. Identifiers: Orphanet 480556, MedGen C4479344, MONDO:0018816, OMIM 617394.
Nephronophthisis 19 (NPHP19). Identifiers: Orphanet 84081, MedGen C4015542, MONDO:0014537, OMIM 616217.

Allele frequency attached by ClinVar (database versions not stated): gnomAD exomes 0.00001 and 0.00002; gnomAD 0.00002; TOPMed 0.00002.
gnomAD v4.1: 10 of 1,613,660 alleles (0.00062%); highest among the groups gnomAD compares: African/African-American, 0.013%; no homozygotes.

Submissions (3):

PreventionGenetics, part of Exact Sciences
Classification: Uncertain significance for DCDC2-related condition. Last evaluated: 2026-06-12. Review status: criteria provided, single submitter. Criteria: ACMG Guidelines, 2015. Collection method: clinical testing. Allele origin: germline.
Comment: The DCDC2 c.685A>G variant is predicted to result in the amino acid substitution p.Thr229Ala. To our knowledge, this variant has not been reported in the literature. This variant is reported in 0.025% of alleles in individuals of African descent in gnomAD. At this time, the clinical significance of this variant is uncertain due to the absence of conclusive functional and genetic evidence.

Fulgent Genetics
Classification: Uncertain significance for Autosomal recessive nonsyndromic hearing loss 66; Nephronophthisis 19; Isolated neonatal sclerosing cholangitis. Last evaluated: 2022-02-23. Review status: criteria provided, single submitter. Criteria: ACMG Guidelines, 2015. Collection method: clinical testing. Allele origin: unknown.

Labcorp Genetics (formerly Invitae), Labcorp
Classification: Uncertain significance for Autosomal recessive nonsyndromic hearing loss 66; Isolated neonatal sclerosing cholangitis. Last evaluated: 2021-09-01. Review status: criteria provided, single submitter. Criteria: Invitae Variant Classification Sherloc (09022015). Collection method: clinical testing. Allele origin: germline.

NM_016356.5(DCDC2):c.685A>G (p.Thr229Ala)

Gene: DCDC2 (doublecortin domain containing 2; minus strand). Cytogenetic location: 6p22.3.
Variant type: single nucleotide variant.
Coding change: c.685A>G on transcript NM_016356.5 (MANE Select); coding-DNA position 685, A replaced by G.
Protein change: p.Thr229Ala; replaces threonine 229 with alanine.
Molecular consequence: missense variant.
Genome position (GRCh38, 1-based): chr6:24,290,951, T>C on the plus strand (A>G on the coding strand, the complement: DCDC2 is on the minus strand). VCF-style: chr6-24290951-T-C. GRCh37 (hg19) VCF-style: chr6-24291179-T-C.
Other names: c.685A>G (NM_016356.4); c.685A>G, p.Thr229Ala (NM_001195610.2); short protein forms T229A.
Identifiers: ClinVar variation 1035839 (VCV001035839.6), dbSNP rs1043649931, ClinGen allele CA136636018.